The following is an entry in ClinVar:

ClinVar aggregate classification (germline): Uncertain significance (1 of 4 stars; one submission).

Allele frequency attached by ClinVar (database versions not stated): gnomAD 0.00001; gnomAD exomes 0.00002; TOPMed 0.00002.
gnomAD v4.1: 30 of 1,613,600 alleles (0.0019%); highest among the groups gnomAD compares: Admixed American, 0.0067%; no homozygotes.

Submission:

Labcorp Genetics (formerly Invitae), Labcorp
Classification: Uncertain significance. Last evaluated: 2025-10-01. Review status: criteria provided, single submitter. Criteria: Invitae Variant Classification Sherloc (09022015). Collection method: clinical testing. Allele origin: germline.
Comment: This sequence change affects an acceptor splice site in intron 3 of the TRAP1 gene. It is expected to disrupt RNA splicing. Variants that disrupt the donor or acceptor splice site typically lead to a loss of protein function (PMID: 16199547), however the current clinical and genetic evidence is not sufficient to establish whether loss-of-function variants in TRAP1 cause disease. This variant is present in population databases (no rsID available, gnomAD 0.009%). This variant has not been reported in the literature in individuals affected with TRAP1-related conditions. ClinVar contains an entry for this variant (Variation ID: 1911038). Algorithms developed to predict the effect of sequence changes on RNA splicing suggest that this variant may disrupt the consensus splice site. In summary, the available evidence is currently insufficient to determine the role of this variant in disease. Therefore, it has been classified as a Variant of Uncertain Significance.

Literature cited by the submitters: PubMed 16199547.

NM_016292.3(TRAP1):c.331-1G>A

Gene: TRAP1 (TNF receptor associated protein 1; minus strand). Cytogenetic location: 16p13.3.
Variant type: single nucleotide variant.
Coding change: c.331-1G>A on transcript NM_016292.3 (MANE Select); the canonical splice acceptor site of the intron before coding-DNA position 331, G replaced by A.
Molecular consequence: splice acceptor variant.
Genome position (GRCh38, 1-based): chr16:3,686,137, C>T on the plus strand (G>A on the coding strand, the complement: TRAP1 is on the minus strand). VCF-style: chr16-3686137-C-T. GRCh37 (hg19) VCF-style: chr16-3736138-C-T.
Other names: c.172-1G>A (NM_001272049.2).
Identifiers: ClinVar variation 1911038 (VCV001911038.5), dbSNP rs1489444227, ClinGen allele CA394571610.
Genomic context (GRCh38, chr16:3,686,137, plus strand): 5'-TTTGTGACGCAGTTTTTCCAAGGCATCGCTGGCATTGGAGATCAGCTCCCGTATAAACAC[C>T]TACAGGAATAGAAATGGGAGGCACAGACAATGAAGGACACTCATCCTGCAGGATCTATCT-3'